The following is an entry in ClinVar:

ClinVar aggregate classification (germline): Pathogenic (1 of 4 stars; one submission).

Conditions:
CHARGE syndrome (CHARGE). Also called: Hittner Hirsch Kreh syndrome; CHARGE ASSOCIATION--COLOBOMA, HEART ANOMALY, CHOANAL ATRESIA, RETARDATION, GENITAL AND EAR ANOMALIES; Coloboma, heart anomaly, choanal atresia, retardation, genital and ear anomalies; CHARGE association; Hall-Hittner syndrome. Identifiers: Orphanet 138, MedGen C0265354, MONDO:0008965.

Submission:

Labcorp Genetics (formerly Invitae), Labcorp
Classification: Pathogenic for CHARGE syndrome. Last evaluated: 2022-03-03. Review status: criteria provided, single submitter. Criteria: Invitae Variant Classification Sherloc (09022015). Collection method: clinical testing. Allele origin: germline.
Comment: For these reasons, this variant has been classified as Pathogenic. This variant has not been reported in the literature in individuals affected with CHD7-related conditions. This variant is not present in population databases (gnomAD no frequency). This sequence change creates a premature translational stop signal (p.Gln545*) in the CHD7 gene. It is expected to result in an absent or disrupted protein product. Loss-of-function variants in CHD7 are known to be pathogenic (PMID: 22461308, 25077900).

Literature cited by the submitters: PubMed 22461308; PubMed 25077900.

NM_017780.4(CHD7):c.1633C>T (p.Gln545Ter)

Gene: CHD7 (chromodomain helicase DNA binding protein 7; plus strand). Cytogenetic location: 8q12.2.
Variant type: single nucleotide variant.
Coding change: c.1633C>T on transcript NM_017780.4 (MANE Select); coding-DNA position 1633, C replaced by T.
Protein change: p.Gln545Ter; replaces glutamine 545 with a stop codon.
Molecular consequence: nonsense.
Genome position (GRCh38, 1-based): chr8:60,743,065, C>T. VCF-style: chr8-60743065-C-T. GRCh37 (hg19) VCF-style: chr8-61655624-C-T.
Other names: c.1633C>T, p.Gln545Ter (NM_001316690.1); short protein forms Q545*.
Identifiers: ClinVar variation 2106393 (VCV002106393.4), dbSNP rs2487285824, ClinGen allele CA371303772.